The following is an entry in ClinVar:

ClinVar aggregate classification (germline): Uncertain significance (0 of 4 stars; one submission).

Conditions:
PCNT-related disorder. Also called: PCNT-related condition.

Allele frequency attached by ClinVar (database versions not stated): gnomAD exomes 0.00001; ExAC 0.00002; gnomAD 0.00003; TOPMed 0.00004; ESP Exome Variant Server 0.00015.
gnomAD v4.1: 22 of 1,606,296 alleles (0.0014%); highest among the groups gnomAD compares: Non-Finnish European, 0.0018%; no homozygotes.

Submission:

PreventionGenetics, part of Exact Sciences
Classification: Uncertain significance for PCNT-related condition. Last evaluated: 2024-02-14. Review status: no assertion criteria provided. Collection method: clinical testing. Allele origin: germline.
Comment: The PCNT c.1364C>T variant is predicted to result in the amino acid substitution p.Ser455Leu. To our knowledge, this variant has not been reported in the literature. This variant is reported in 0.0015% of alleles in individuals of European (Non-Finnish) descent in gnomAD. At this time, the clinical significance of this variant is uncertain due to the absence of conclusive functional and genetic evidence.

NM_006031.6(PCNT):c.1364C>T (p.Ser455Leu)

Gene: PCNT (pericentrin; plus strand). Cytogenetic location: 21q22.3.
Variant type: single nucleotide variant.
Coding change: c.1364C>T on transcript NM_006031.6 (MANE Select); coding-DNA position 1364, C replaced by T.
Protein change: p.Ser455Leu; replaces serine 455 with leucine.
Molecular consequence: missense variant.
Genome position (GRCh38, 1-based): chr21:46,351,448, C>T. VCF-style: chr21-46351448-C-T. GRCh37 (hg19) VCF-style: chr21-47771362-C-T.
Other names: c.1010C>T, p.Ser337Leu (NM_001315529.2); short protein forms S337L, S455L.
Identifiers: ClinVar variation 3032837 (VCV003032837.2), dbSNP rs369123912, ClinGen allele CA10078596.
Genomic context (GRCh38, chr21:46,351,448, plus strand): 5'-GAGCTCATTAGGGTTTCACCTGGACACTTTGCTTTTTCCAGTTAGAGAATCTTCAAGCAT[C>T]ATATGAAGACCTGAAGGCACAATCACAAGAAGAGATCAGGCGCTTGTGGTCCCAGCTTGA-3'
Protein context (NP_006022.3, residues 445-465): KQLELENLQA[Ser455Leu]YEDLKAQSQE